The following is an entry in ClinVar:

ClinVar aggregate classification (germline): Pathogenic. Review status: criteria provided, multiple submitters, no conflicts (2 of 4 stars). 3 submissions from 3 submitters: Pathogenic (3). Last evaluated 2024-10-08.

Conditions:
Familial cancer of breast. Also called: Hereditary breast cancer; BREAST CANCER, FAMILIAL; hereditary breast carcinoma. Identifiers: Orphanet 227535, MedGen C0346153, MONDO:0016419, OMIM 114480. Disease mechanism: loss of function.
PALB2-related cancer predisposition. Identifiers: MedGen CN377761, MONDO:0700272.
Hereditary cancer-predisposing syndrome. Also called: Neoplastic Syndromes, Hereditary; Hereditary Cancer Syndrome; Tumor predisposition; Hereditary neoplastic syndrome. Identifiers: Orphanet 140162, MedGen C0027672, MeSH D009386, MONDO:0015356.

Submissions (3):

Ambry Genetics
Classification: Pathogenic for Hereditary cancer-predisposing syndrome. Last evaluated: 2024-10-08. Review status: criteria provided, single submitter. Criteria: Ambry Variant Classification Scheme 2023. Collection method: clinical testing. Allele origin: germline.
Comment: The p.L171* pathogenic mutation (also known as c.512T>A), located in coding exon 4 of the PALB2 gene, results from a T to A substitution at nucleotide position 512. This changes the amino acid from a leucine to a stop codon within coding exon 4. This variant is considered to be rare based on population cohorts in the Genome Aggregation Database (gnomAD). In addition, this alteration is expected to result in loss of function by premature protein truncation or nonsense-mediated mRNA decay. As such, this alteration is interpreted as a disease-causing mutation.

Labcorp Genetics (formerly Invitae), Labcorp
Classification: Pathogenic for Familial cancer of breast. Last evaluated: 2020-01-23. Review status: criteria provided, single submitter. Criteria: Invitae Variant Classification Sherloc (09022015). Collection method: clinical testing. Allele origin: germline.
Comment: For these reasons, this variant has been classified as Pathogenic. Loss-of-function variants in PALB2 are known to be pathogenic (PMID: 17200668, 24136930, 25099575). This variant has not been reported in the literature in individuals with PALB2-related conditions. ClinVar contains an entry for this variant (Variation ID: 644238). This variant is not present in population databases (ExAC no frequency). This sequence change creates a premature translational stop signal (p.Leu171*) in the PALB2 gene. It is expected to result in an absent or disrupted protein product.

University Health Network, Familial Cancer Clinic, Princess Margaret Cancer Centre
Classification: Pathogenic for PALB2-related cancer predisposition. Review status: criteria provided, single submitter. Criteria: ACMG Guidelines, 2015. Collection method: clinical testing. Allele origin: germline. Inheritance: Autosomal dominant inheritance. Affected: yes. Observed: 1 variant allele.

Literature cited by the submitters: PubMed 17200668 (cited by Labcorp Genetics (formerly Invitae), Labcorp); PubMed 24136930 (cited by Labcorp Genetics (formerly Invitae), Labcorp); PubMed 25099575 (cited by Labcorp Genetics (formerly Invitae), Labcorp).

NM_024675.4(PALB2):c.512T>A (p.Leu171Ter)

Gene: PALB2 (partner and localizer of BRCA2; minus strand). Cytogenetic location: 16p12.2.
Variant type: single nucleotide variant.
Coding change: c.512T>A on transcript NM_024675.4 (MANE Select); coding-DNA position 512, T replaced by A.
Protein change: p.Leu171Ter; replaces leucine 171 with a stop codon.
Molecular consequence: nonsense.
Genome position (GRCh38, 1-based): chr16:23,636,034, A>T on the plus strand (T>A on the coding strand, the complement: PALB2 is on the minus strand). VCF-style: chr16-23636034-A-T. GRCh37 (hg19) VCF-style: chr16-23647355-A-T.
Other names: short protein forms L171*.
Identifiers: ClinVar variation 644238 (VCV000644238.11), dbSNP rs876658979, ClinGen allele CA395137012.